The following is an entry in ClinVar:

NM_133642.5(LARGE1):c.1420G>A (p.Val474Ile)

Gene: LARGE1 (LARGE xylosyl- and glucuronyltransferase 1; minus strand). Cytogenetic location: 22q12.3.
Variant type: single nucleotide variant.
Coding change: c.1420G>A on transcript NM_133642.5 (MANE Select); coding-DNA position 1420, G replaced by A.
Protein change: p.Val474Ile; replaces valine 474 with isoleucine.
Molecular consequence: missense variant.
Genome position (GRCh38, 1-based): chr22:33,316,116, C>T on the plus strand (G>A on the coding strand, the complement: LARGE1 is on the minus strand). VCF-style: chr22-33316116-C-T. GRCh37 (hg19) VCF-style: chr22-33712102-C-T.
Other names: p.V474I:GTC>ATC; c.1420G>A (NM_004737.5); c.1420G>A, p.Val474Ile (NM_001362949.2, NM_001362951.2, NM_001362953.2 and 6 more transcripts); c.1264G>A, p.Val422Ile (NM_001378629.1); c.817G>A, p.Val273Ile (NM_001378630.1); c.661G>A, p.Val221Ile (NM_001378631.1); short protein forms V474I, V221I, V273I, V422I.
Identifiers: ClinVar variation 95164 (VCV000095164.33), dbSNP rs150861748, ClinGen allele CA206175.

ClinVar aggregate classification (germline): Conflicting classifications of pathogenicity. Review status: criteria provided, conflicting classifications (1 of 4 stars). 12 submissions from 11 submitters: Uncertain significance (9); Likely benign (2). 1 of the submissions does not count toward it. Last evaluated 2025-05-20.

Conditions:
LARGE1-related disorder. Also called: LARGE1-related condition.
Muscular dystrophy-dystroglycanopathy type B6 (MDDGB6). Also called: MUSCULAR DYSTROPHY-DYSTROGLYCANOPATHY (CONGENITAL WITH IMPAIRED INTELLECTUAL DEVELOPMENT), TYPE B, 6; MUSCULAR DYSTROPHY, CONGENITAL, LARGE-RELATED; MUSCULAR DYSTROPHY, CONGENITAL, TYPE 1D. Identifiers: MedGen C1837229, MONDO:0012138, OMIM 608840.
Muscular dystrophy-dystroglycanopathy (congenital with brain and eye anomalies), type A1 (MDDGA1). Also called: COD-MD SYNDROME; WALKER-WARBURG SYNDROME OR MUSCLE-EYE-BRAIN DISEASE, POMT1-RELATED; Hydrocephalus, agyria and retinal dysplasia; Hard +/- E syndrome; Warburg syndrome; Chemke syndrome. Identifiers: Orphanet 588, Orphanet 899, MedGen C4284790, MONDO:0009364, OMIM 236670.
Muscular dystrophy-dystroglycanopathy (congenital with brain and eye anomalies), type A6. Also called: WALKER-WARBURG SYNDROME OR MUSCLE-EYE-BRAIN DISEASE, LARGE-RELATED; MUSCULAR DYSTROPHY-DYSTROGLYCANOPATHY (CONGENITAL WITH BRAIN AND EYE ANOMALIES), TYPE A, 6. Identifiers: Orphanet 588, Orphanet 899, MedGen C3150414, MONDO:0013158, OMIM 613154.

Allele frequency attached by ClinVar (database versions not stated): ExAC 0.00088; gnomAD 0.00119 and 0.00118; ESP Exome Variant Server 0.00177; 1000 Genomes Project 0.00020; 1000 Genomes Project 30x 0.00031; TOPMed 0.00112.
gnomAD v4.1: 2,653 of 1,613,966 alleles (0.16%); highest among the groups gnomAD compares: Non-Finnish European, 0.21%; 6 homozygotes.

Submissions (12):

Mayo Clinic Laboratories, Mayo Clinic
Classification: Likely benign. Last evaluated: 2025-05-20. Review status: criteria provided, single submitter. Criteria: ACMG Guidelines, 2015. Collection method: clinical testing. Allele origin: germline. Observed: 5 variant alleles.
Comment: BS1, BP4_moderate

Blueprint Genetics
Classification: Likely benign. Last evaluated: 2024-11-19. Review status: criteria provided, single submitter. Criteria: ACMG Guidelines, 2015. Collection method: clinical testing. Allele origin: germline.

Labcorp Genetics (formerly Invitae), Labcorp
Classification: Uncertain significance for Muscular dystrophy-dystroglycanopathy type B6. Last evaluated: 2024-01-22. Review status: criteria provided, single submitter. Criteria: Invitae Variant Classification Sherloc (09022015). Collection method: clinical testing. Allele origin: germline.
Comment: This sequence change replaces valine, which is neutral and non-polar, with isoleucine, which is neutral and non-polar, at codon 474 of the LARGE1 protein (p.Val474Ile). This variant is present in population databases (rs150861748, gnomAD 0.2%), and has an allele count higher than expected for a pathogenic variant. This variant has not been reported in the literature in individuals affected with LARGE1-related conditions. ClinVar contains an entry for this variant (Variation ID: 95164). Advanced modeling of protein sequence and biophysical properties (such as structural, functional, and spatial information, amino acid conservation, physicochemical variation, residue mobility, and thermodynamic stability) performed at Invitae indicates that this missense variant is not expected to disrupt LARGE1 protein function with a negative predictive value of 80%. In summary, the available evidence is currently insufficient to determine the role of this variant in disease. Therefore, it has been classified as a Variant of Uncertain Significance.

Fulgent Genetics
Classification: Uncertain significance for Muscular dystrophy-dystroglycanopathy (congenital with brain and eye anomalies), type A1; Muscular dystrophy-dystroglycanopathy type B6; Muscular dystrophy-dystroglycanopathy (congenital with brain and eye anomalies), type A6. Last evaluated: 2022-04-29. Review status: criteria provided, single submitter. Criteria: ACMG Guidelines, 2015. Collection method: clinical testing. Allele origin: unknown.

ARUP Laboratories, Molecular Genetics and Genomics, ARUP Laboratories
Classification: Uncertain significance. Last evaluated: 2021-02-05. Review status: criteria provided, single submitter. Criteria: ARUP Molecular Germline Variant Investigation Process 2021. Collection method: clinical testing. Allele origin: germline.

Athena Diagnostics
Classification: Uncertain significance. Last evaluated: 2018-04-13. Review status: criteria provided, single submitter. Criteria: Athena Diagnostics Criteria. Collection method: clinical testing. Allele origin: germline.

GeneDx
Classification: Uncertain significance. Last evaluated: 2017-08-17. Review status: criteria provided, single submitter. Criteria: GeneDx Variant Classification (06012015). Collection method: clinical testing. Allele origin: germline. Affected: yes.
Comment: The V474I variant has not been published as a mutation, nor has it been reported as a benign polymorphism to our knowledge. The V474I variant was not observed with any significant frequency in approximately 6,500 individuals of European and African American ancestry in the NHLBI Exome Sequencing Project. This substitution occurs at a position that is conserved across species within the predicted lumenal domain of the LARGE protein. However, the V474I variant is a conservative amino acid substitution, which is not likely to impact secondary protein structure as these residues share similar properties. In silico analysis is inconsistent in its predictions as to whether or not the variant is damaging to the protein structure/function. Therefore, based on the currently available information, it is unclear whether this variant is a pathogenic mutation or a rare benign variant. The variant is found in LARGE panel.

Illumina Laboratory Services, Illumina
Classification: Uncertain significance for Muscular dystrophy-dystroglycanopathy (congenital with brain and eye anomalies), type A6. Last evaluated: 2017-04-27. Review status: criteria provided, single submitter. Criteria: ICSL Variant Classification Criteria 13 December 2019. Collection method: clinical testing. Allele origin: germline.

Illumina Laboratory Services, Illumina
Classification: Uncertain significance for Muscular dystrophy-dystroglycanopathy type B6. Last evaluated: 2017-04-27. Review status: criteria provided, single submitter. Criteria: ICSL Variant Classification Criteria 13 December 2019. Collection method: clinical testing. Allele origin: germline.

Genetic Services Laboratory, University of Chicago
Classification: Uncertain significance. Last evaluated: 2015-07-07. Review status: criteria provided, single submitter. Criteria: ACMG Guidelines, 2015. Collection method: clinical testing. Allele origin: germline.

Eurofins Ntd Llc (ga)
Classification: Uncertain significance. Last evaluated: 2013-04-30. Review status: criteria provided, single submitter. Criteria: EGL Classification Definitions 2015. Collection method: clinical testing. Allele origin: germline. Observed: 2 variant alleles, 2 heterozygotes.

PreventionGenetics, part of Exact Sciences
Classification: Likely benign for LARGE1-related condition. Last evaluated: 2023-06-26. Review status: no assertion criteria provided. Collection method: clinical testing. Allele origin: germline. Not counted in ClinVar's aggregate classification.
Comment: This variant is classified as likely benign based on ACMG/AMP sequence variant interpretation guidelines (Richards et al. 2015 PMID: 25741868, with internal and published modifications).

Literature cited by the submitters: PubMed 29970176 (cited by Mayo Clinic Laboratories, Mayo Clinic); PubMed 39039281 (cited by Mayo Clinic Laboratories, Mayo Clinic).